The following is an entry in ClinVar:

NM_052988.5(CDK10):c.895dup (p.Leu299fs)

Gene: CDK10 (cyclin dependent kinase 10; plus strand). Cytogenetic location: 16q24.3.
Variant type: Duplication.
Coding change: c.895dup on transcript NM_052988.5 (MANE Select); coding-DNA position 895, one base duplicated (C; older notation c.895dupC).
Protein change: p.Leu299fs; shifts the reading frame from leucine 299.
Molecular consequence: frameshift variant. On other transcripts: non-coding transcript variant (2).
Genome position (GRCh38, 1-based): chr16:89,695,033, C duplicated; the last of 2 consecutive C bases (chr16:89,695,032-89,695,033); duplicating either gives the same sequence. VCF-style (leftmost placement, unchanged base first): chr16-89695031-G-GC. GRCh37 (hg19) VCF-style: chr16-89761439-G-GC.
Other names: c.682dup, p.Leu228fs (NM_001098533.3, NM_001160367.2, NM_052987.4); short protein forms L228fs, L299fs.
Identifiers: ClinVar variation 4854339 (VCV004854339.1).

ClinVar aggregate classification (germline): Likely pathogenic (1 of 4 stars; one submission).

Conditions:
Al Kaissi syndrome. Also called: GROWTH RETARDATION, SPINE MALFORMATION, DYSMORPHIC FACIES, AND DEVELOPMENTAL DELAY. Identifiers: MedGen C4540156, MONDO:0044324, OMIM 617694.

Submission:

3billion
Classification: Likely pathogenic for Al Kaissi syndrome. Last evaluated: 2025-05-23. Review status: criteria provided, single submitter. Criteria: ACMG Guidelines, 2015. Collection method: clinical testing. Allele origin: germline. Affected: yes.
Comment: The variant is not observed in the gnomAD v4.1.0 dataset. Predicted Consequence/Location: Frameshift: predicted to result in a loss or disruption of normal protein function through nonsense-mediated decay (NMD) or protein truncation. Multiple pathogenic variants are reported downstream of the variant. Therefore, this variant is classified as Likely pathogenic according to the recommendation of ACMG/AMP guideline.